The following is an entry in ClinVar:

ClinVar aggregate classification (germline): Uncertain significance (1 of 4 stars; one submission).

Conditions:
Cardiovascular phenotype. Identifiers: MedGen CN230736.

gnomAD v4.1: 15 of 1,613,936 alleles (0.00093%); highest among the groups gnomAD compares: Non-Finnish European, 0.0013%; no homozygotes.

Submission:

Ambry Genetics
Classification: Uncertain significance for Cardiovascular phenotype. Last evaluated: 2025-12-14. Review status: criteria provided, single submitter. Criteria: Ambry Variant Classification Scheme 2023. Collection method: clinical testing. Allele origin: germline.
Comment: The p.D491E variant (also known as c.1473C>A), located in coding exon 12 of the ENG gene, results from a C to A substitution at nucleotide position 1473. The aspartic acid at codon 491 is replaced by glutamic acid, an amino acid with highly similar properties. This amino acid position is conserved. In addition, this alteration is predicted to be tolerated by in silico analysis. Based on the available evidence, the clinical significance of this variant remains unclear.

NM_001114753.3(ENG):c.1473C>A (p.Asp491Glu)

Genes: ENG (endoglin; minus strand), LOC102723566 (uncharacterized LOC102723566; plus strand). Cytogenetic location: 9q34.11.
Variant type: single nucleotide variant.
Coding change: c.1473C>A on transcript NM_001114753.3 (MANE Select); coding-DNA position 1473, C replaced by A.
Protein change: p.Asp491Glu; replaces aspartic acid 491 with glutamic acid.
Molecular consequence: missense variant. On other transcripts: non-coding transcript variant (1).
Genome position (GRCh38, 1-based): chr9:127,818,333, G>T on the plus strand (C>A on the coding strand, the complement: ENG is on the minus strand). VCF-style: chr9-127818333-G-T. GRCh37 (hg19) VCF-style: chr9-130580612-G-T.
Other names: c.927C>A, p.Asp309Glu (NM_001278138.2); c.1473C>A, p.Asp491Glu (NM_000118.4); short protein forms D309E, D491E.
Identifiers: ClinVar variation 4614088 (VCV004614088.1).